The following is an entry in ClinVar:

ClinVar aggregate classification (germline): Uncertain significance (1 of 4 stars; one submission).

Conditions:
Charcot-Marie-Tooth disease dominant intermediate F. Identifiers: Orphanet 352670, MedGen C4749463, MONDO:0014074, OMIM 615185.

Allele frequency attached by ClinVar (database versions not stated): TOPMed 0.00001; ExAC 0.00002.
gnomAD v4.1: 7 of 1,607,298 alleles (0.00044%); highest among the groups gnomAD compares: Admixed American, 0.0067%; no homozygotes.

Submission:

Labcorp Genetics (formerly Invitae), Labcorp
Classification: Uncertain significance for Charcot-Marie-Tooth disease dominant intermediate F. Last evaluated: 2023-08-04. Review status: criteria provided, single submitter. Criteria: Invitae Variant Classification Sherloc (09022015). Collection method: clinical testing. Allele origin: germline.
Comment: This sequence change replaces threonine, which is neutral and polar, with lysine, which is basic and polar, at codon 164 of the GNB4 protein (p.Thr164Lys). This variant is present in population databases (rs769949519, gnomAD 0.009%). This variant has not been reported in the literature in individuals affected with GNB4-related conditions. ClinVar contains an entry for this variant (Variation ID: 843131). Advanced modeling of protein sequence and biophysical properties (such as structural, functional, and spatial information, amino acid conservation, physicochemical variation, residue mobility, and thermodynamic stability) performed at Invitae indicates that this missense variant is not expected to disrupt GNB4 protein function. In summary, the available evidence is currently insufficient to determine the role of this variant in disease. Therefore, it has been classified as a Variant of Uncertain Significance.

NM_021629.4(GNB4):c.491C>A (p.Thr164Lys)

Gene: GNB4 (G protein subunit beta 4; minus strand). Cytogenetic location: 3q26.33.
Variant type: single nucleotide variant.
Coding change: c.491C>A on transcript NM_021629.4 (MANE Select); coding-DNA position 491, C replaced by A.
Protein change: p.Thr164Lys; replaces threonine 164 with lysine.
Molecular consequence: missense variant.
Genome position (GRCh38, 1-based): chr3:179,413,721, G>T on the plus strand (C>A on the coding strand, the complement: GNB4 is on the minus strand). VCF-style: chr3-179413721-G-T. GRCh37 (hg19) VCF-style: chr3-179131509-G-T.
Other names: short protein forms T164K.
Identifiers: ClinVar variation 843131 (VCV000843131.9), dbSNP rs769949519, ClinGen allele CA2712484.